The following is an entry in ClinVar:

NM_003722.5(TP63):c.739C>G (p.His247Asp)

Gene: TP63 (tumor protein p63; plus strand). Cytogenetic location: 3q28.
Variant type: single nucleotide variant.
Coding change: c.739C>G on transcript NM_003722.5 (MANE Select); coding-DNA position 739, C replaced by G.
Protein change: p.His247Asp; replaces histidine 247 with aspartic acid.
Molecular consequence: missense variant.
Genome position (GRCh38, 1-based): chr3:189,864,391, C>G. VCF-style: chr3-189864391-C-G. GRCh37 (hg19) VCF-style: chr3-189582180-C-G.
Other names: c.739C>G, p.His247Asp (NM_001114978.2, NM_001114979.2, NM_001329144.2 and 1 more transcripts); c.457C>G, p.His153Asp (NM_001114980.2, NM_001114981.2, NM_001114982.2 and 2 more transcripts); c.202C>G, p.His68Asp (NM_001329146.2, NM_001329150.2); c.733C>G, p.His245Asp (NM_001329964.2); short protein forms H153D, H245D, H247D, H68D.
Identifiers: ClinVar variation 2630702 (VCV002630702.1), dbSNP rs1553856553, ClinGen allele CA355753775.
Genomic context (GRCh38, chr3:189,864,391, plus strand): 5'-GCCATGCCTGTCTACAAAAAAGCTGAGCACGTCACGGAGGTGGTGAAGCGGTGCCCCAAC[C>G]ATGAGCTGAGCCGTGAATTCAACGAGGGTAAGCAGAATTTGAATCTCTAACTGTTCAACC-3'
Protein context (NP_003713.3, residues 237-257): VTEVVKRCPN[His247Asp]ELSREFNEGQ

ClinVar aggregate classification (germline): Likely pathogenic (1 of 4 stars; one submission).

Conditions:
TP63-related disorder. Also called: TP63-related condition; TP63-Related Disorders. Identifiers: MedGen CN380159.

Submission:

PreventionGenetics, part of Exact Sciences
Classification: Likely pathogenic for TP63-related condition. Last evaluated: 2023-08-15. Review status: criteria provided, single submitter. Criteria: ACMG Guidelines, 2015. Collection method: clinical testing. Allele origin: germline.
Comment: The TP63 c.739C>G variant is predicted to result in the amino acid substitution p.His247Asp. This variant has been reported in two siblings with ectrodactyly–ectodermal dysplasia–cleft lip ⁄ palate (EEC) syndrome (reported as H208D using the legacy nomenclature in Sorasio et al. 2009. PubMed ID: 19663851). Alternative nucleotide changes affecting the same amino acid (p.His247Tyr and p.His247Arg) have also been reported in individuals with EEC syndrome (reported as H208Y in Rinne et al. 2006. PubMed ID: 16691622; reported as p.His208Arg in Clements et al. 2010. PubMed ID: 19903181; Friedmann et al. 2020. PubMed ID: 32881366). This variant has not been reported in a large population database, indicating this variant is rare. This variant is interpreted as likely pathogenic.